The following is an entry in ClinVar:

ClinVar aggregate classification (germline): Uncertain significance. Review status: criteria provided, multiple submitters, no conflicts (2 of 4 stars). 2 submissions from 2 submitters: Uncertain significance (2). Last evaluated 2025-09-01.

Conditions:
Inborn genetic diseases. Identifiers: MedGen C0950123, MeSH D030342.

Submissions (2):

Ambry Genetics
Classification: Uncertain significance for Inborn genetic diseases. Last evaluated: 2025-09-01. Review status: criteria provided, single submitter. Criteria: Ambry Variant Classification Scheme 2023. Collection method: clinical testing. Allele origin: germline.
Comment: The p.E133K variant (also known as c.397G>A), located in coding exon 3 of the MBD4 gene, results from a G to A substitution at nucleotide position 397. The glutamic acid at codon 133 is replaced by lysine, an amino acid with similar properties. This amino acid position is conserved. In addition, the in silico prediction for this alteration is inconclusive. Based on the available evidence, the clinical significance of this variant remains unclear.

Labcorp Genetics (formerly Invitae), Labcorp
Classification: Uncertain significance. Last evaluated: 2024-12-02. Review status: criteria provided, single submitter. Criteria: Invitae Variant Classification Sherloc (09022015). Collection method: clinical testing. Allele origin: germline.
Comment: This sequence change replaces glutamic acid, which is acidic and polar, with lysine, which is basic and polar, at codon 133 of the MBD4 protein (p.Glu133Lys). This variant is not present in population databases (gnomAD no frequency). This variant has not been reported in the literature in individuals affected with MBD4-related conditions. An algorithm developed to predict the effect of missense changes on protein structure and function (PolyPhen-2) suggests that this variant is likely to be tolerated. In summary, the available evidence is currently insufficient to determine the role of this variant in disease. Therefore, it has been classified as a Variant of Uncertain Significance.

NM_001276270.2(MBD4):c.397G>A (p.Glu133Lys)

Gene: MBD4 (methyl-CpG binding domain 4, DNA glycosylase; minus strand). Cytogenetic location: 3q21.3.
Variant type: single nucleotide variant.
Coding change: c.397G>A on transcript NM_001276270.2 (MANE Select); coding-DNA position 397, G replaced by A.
Protein change: p.Glu133Lys; replaces glutamic acid 133 with lysine.
Molecular consequence: missense variant. On other transcripts: intron variant (1).
Genome position (GRCh38, 1-based): chr3:129,437,247, C>T on the plus strand (G>A on the coding strand, the complement: MBD4 is on the minus strand). VCF-style: chr3-129437247-C-T. GRCh37 (hg19) VCF-style: chr3-129156090-C-T.
Other names: c.397G>A, p.Glu133Lys (NM_001276271.2, NM_001276272.2, NM_003925.3); c.247+561G>A (NM_001276273.2); short protein forms E133K.
Identifiers: ClinVar variation 3688689 (VCV003688689.3).